The following is an entry in ClinVar:

ClinVar aggregate classification (germline): Pathogenic. Review status: criteria provided, multiple submitters, no conflicts (2 of 4 stars). 3 submissions from 3 submitters: Pathogenic (3). Last evaluated 2025-08-20.

Conditions:
Hereditary spherocytosis type 1. Also called: Spherocytosis type 1; ANK1-Related Spherocytosis. Identifiers: Orphanet 822, MedGen C2674218, MONDO:0008447, OMIM 182900.

Allele frequency attached by ClinVar (database versions not stated): TOPMed below 0.00001.

Submissions (3):

Mayo Clinic Laboratories, Mayo Clinic
Classification: Pathogenic. Last evaluated: 2025-08-20. Review status: criteria provided, single submitter. Criteria: ACMG Guidelines, 2015. Collection method: clinical testing. Allele origin: germline. Observed: 1 variant allele.
Comment: PM2_supporting, PM6, PS4, PVS1_strong

ARUP Laboratories, Molecular Genetics and Genomics, ARUP Laboratories
Classification: Pathogenic for Hereditary spherocytosis type 1. Last evaluated: 2025-05-02. Review status: criteria provided, single submitter. Criteria: ARUP Molecular Germline Variant Investigation Process 2024. Collection method: clinical testing. Allele origin: germline.
Comment: The ANK1 c.5097-33G>A variant (rs1811286829, ClinVar Variation ID 2435017) is reported to co-segregate in several individuals affected with spherocytosis (Lunati-Rozie 2023, Tole 2020). This variant is absent from the Genome Aggregation Database (v2.1.1), indicating it is not a common polymorphism. This is an intronic variant and computational analyses (Alamut Visual Plus v.1.12) predict that this variant may impact splicing by creating a novel cryptic acceptor splice site. Further, splicing analysis by minigene assay confirms production of altered ANK1 transcript, thus resulting in premature truncation (Lunati-Rozie 2023). Based on available information, this variant is considered to be pathogenic. References: Lunati-Rozie A et al. Use of minigene assays as a useful tool to confirm the pathogenic role of intronic variations of the ANK1 gene: Report of two cases of hereditary spherocytosis. Br J Haematol. 2023 May. PMID: 36928866. Tole S et al. Genotype-phenotype correlation in children with hereditary spherocytosis. Br J Haematol. 2020 Nov. PMID: 32436265.

Revvity Omics, Revvity
Classification: Pathogenic for Hereditary spherocytosis type 1. Last evaluated: 2024-11-05. Review status: criteria provided, single submitter. Criteria: ACMG Guidelines, 2015. Collection method: clinical testing. Allele origin: germline.

Literature cited by the submitters: PubMed 32436265 (cited by Mayo Clinic Laboratories, Mayo Clinic); PubMed 36928866 (cited by Mayo Clinic Laboratories, Mayo Clinic).

NM_000037.4(ANK1):c.5097-33G>A

Gene: ANK1 (ankyrin 1; minus strand). Cytogenetic location: 8p11.21.
Variant type: single nucleotide variant.
Coding change: c.5097-33G>A on transcript NM_000037.4 (MANE Select); 33 bases into the intron before coding-DNA position 5097, G replaced by A.
Molecular consequence: intron variant.
Genome position (GRCh38, 1-based): chr8:41,668,597, C>T on the plus strand (G>A on the coding strand, the complement: ANK1 is on the minus strand). VCF-style: chr8-41668597-C-T. GRCh37 (hg19) VCF-style: chr8-41526115-C-T.
Other names: p.?; c.5220-33G>A (NM_001142446.2); c.4611-33G>A (NM_020477.3); c.5097-33G>A (NM_020475.3, NM_020476.3).
Identifiers: ClinVar variation 2435017 (VCV002435017.5), dbSNP rs1811286829, ClinGen allele CA1779071413.